The following is an entry in ClinVar:

NM_002693.3(POLG):c.1912A>G (p.Thr638Ala)

Gene: POLG (DNA polymerase gamma, catalytic subunit; minus strand). Cytogenetic location: 15q26.1.
Variant type: single nucleotide variant.
Coding change: c.1912A>G on transcript NM_002693.3 (MANE Select); coding-DNA position 1912, A replaced by G.
Protein change: p.Thr638Ala; replaces threonine 638 with alanine.
Molecular consequence: missense variant.
Genome position (GRCh38, 1-based): chr15:89,325,487, T>C on the plus strand (A>G on the coding strand, the complement: POLG is on the minus strand). VCF-style: chr15-89325487-T-C. GRCh37 (hg19) VCF-style: chr15-89868718-T-C.
Other names: c.1912A>G, p.Thr638Ala (NM_001126131.2); short protein forms T638A.
Identifiers: ClinVar variation 593680 (VCV000593680.13), dbSNP rs1567190199, ClinGen allele CA393759054.

ClinVar aggregate classification (germline): Uncertain significance. Review status: criteria provided, multiple submitters, no conflicts (2 of 4 stars). 3 submissions from 3 submitters: Uncertain significance (3). Last evaluated 2025-02-17.

Conditions:
Progressive sclerosing poliodystrophy (MTDPS4A). Also called: Mitochondrial DNA depletion syndrome 4A (Alpers type); Mitochondrial DNA Depletion Syndrome 4A; Alpers Syndrome; ALPERS DIFFUSE DEGENERATION OF CEREBRAL GRAY MATTER WITH HEPATIC CIRRHOSIS; Alpers-Huttenlocher Syndrome; ALPERS PROGRESSIVE INFANTILE POLIODYSTROPHY. Identifiers: Orphanet 726, MedGen C0205710, MONDO:0008758, OMIM 203700.

Submissions (3):

Labcorp Genetics (formerly Invitae), Labcorp
Classification: Uncertain significance for Progressive sclerosing poliodystrophy. Last evaluated: 2025-02-17. Review status: criteria provided, single submitter. Criteria: Invitae Variant Classification Sherloc (09022015). Collection method: clinical testing. Allele origin: germline.
Comment: This sequence change replaces threonine, which is neutral and polar, with alanine, which is neutral and non-polar, at codon 638 of the POLG protein (p.Thr638Ala). This variant is not present in population databases (gnomAD no frequency). This variant has not been reported in the literature in individuals affected with POLG-related conditions. ClinVar contains an entry for this variant (Variation ID: 593680). Invitae Evidence Modeling of protein sequence and biophysical properties (such as structural, functional, and spatial information, amino acid conservation, physicochemical variation, residue mobility, and thermodynamic stability) indicates that this missense variant is not expected to disrupt POLG protein function with a negative predictive value of 95%. In summary, the available evidence is currently insufficient to determine the role of this variant in disease. Therefore, it has been classified as a Variant of Uncertain Significance.

GeneDx
Classification: Uncertain significance. Last evaluated: 2023-03-09. Review status: criteria provided, single submitter. Criteria: GeneDx Variant Classification Process June 2021. Collection method: clinical testing. Allele origin: germline. Affected: yes.
Comment: Not observed in large population cohorts (gnomAD); In silico analysis supports that this missense variant does not alter protein structure/function; Has not been previously published as pathogenic or benign to our knowledge

Eurofins Ntd Llc (ga)
Classification: Uncertain significance. Last evaluated: 2017-08-15. Review status: criteria provided, single submitter. Criteria: EGL Classification Definitions 2015. Collection method: clinical testing. Allele origin: germline. Observed: 1 variant allele, 1 heterozygote.